The following is an entry in ClinVar:

ClinVar aggregate classification (germline): Likely benign (0 of 4 stars; one submission).

Conditions:
CAPN12-related disorder. Also called: CAPN12-related condition.

Submission:

PreventionGenetics, part of Exact Sciences
Classification: Likely benign for CAPN12-related condition. Last evaluated: 2019-06-28. Review status: no assertion criteria provided. Collection method: clinical testing. Allele origin: germline.
Comment: This variant is classified as likely benign based on ACMG/AMP sequence variant interpretation guidelines (Richards et al. 2015 PMID: 25741868, with internal and published modifications).

NM_144691.4(CAPN12):c.1332_1340dup (p.Thr447_Val448insTyrLeuThr)

Genes: CAPN12 (calpain 12; minus strand), LOC130064373 (ATAC-STARR-seq lymphoblastoid silent region 10582; plus strand). Cytogenetic location: 19q13.2.
Variant type: Duplication.
Coding change: c.1332_1340dup on transcript NM_144691.4 (MANE Select); coding-DNA positions 1332 to 1340, 9 bases duplicated (TTACCTCAC; older notation c.1332_1340dupTTACCTCAC).
Protein change: p.Thr447_Val448insTyrLeuThr.
Genome position (GRCh38, 1-based): chr19:38,737,178-38,737,186, GTGAGGTAA duplicated on the plus strand (TTACCTCAC on the coding strand, the reverse complement: CAPN12 is on the minus strand); duplicating any 9 consecutive bases within chr19:38,737,178-38,737,192 gives the same sequence; the c. name uses the placement nearest the transcript's 3' end. VCF-style (leftmost placement, unchanged base first): chr19-38737177-G-GGTGAGGTAA. GRCh37 (hg19) VCF-style: chr19-39227817-G-GGTGAGGTAA.
Other names: c.1332_1340dup9 (NM_144691.4).
Identifiers: ClinVar variation 3042438 (VCV003042438.2), dbSNP rs540993816, ClinGen allele CA9418813.